The following is an entry in ClinVar:

ClinVar aggregate classification (germline): Likely pathogenic (1 of 4 stars; one submission).

Submission:

Labcorp Genetics (formerly Invitae), Labcorp
Classification: Likely pathogenic. Last evaluated: 2023-09-03. Review status: criteria provided, single submitter. Criteria: Invitae Variant Classification Sherloc (09022015). Collection method: clinical testing. Allele origin: germline.
Comment: In summary, the currently available evidence indicates that the variant is pathogenic, but additional data are needed to prove that conclusively. Therefore, this variant has been classified as Likely Pathogenic. This variant disrupts the p.Val63 amino acid residue in GJB2. Other variant(s) that disrupt this residue have been determined to be pathogenic (Invitae). This suggests that this residue is clinically significant, and that variants that disrupt this residue are likely to be disease-causing. This sequence change replaces valine, which is neutral and non-polar, with leucine, which is neutral and non-polar, at codon 63 of the GJB2 protein (p.Val63Leu). This variant is not present in population databases (gnomAD no frequency). This missense change has been observed in individual(s) with GJB2-related conditions (PMID: 12792423, 26252218). Advanced modeling of protein sequence and biophysical properties (such as structural, functional, and spatial information, amino acid conservation, physicochemical variation, residue mobility, and thermodynamic stability) performed at Invitae indicates that this missense variant is expected to disrupt GJB2 protein function.

Literature cited by the submitters: PubMed 12792423; PubMed 26252218.

NM_004004.6(GJB2):c.187G>C (p.Val63Leu)

Gene: GJB2 (gap junction protein beta 2; minus strand). Cytogenetic location: 13q12.11.
Variant type: single nucleotide variant.
Coding change: c.187G>C on transcript NM_004004.6 (MANE Select); coding-DNA position 187, G replaced by C.
Protein change: p.Val63Leu; replaces valine 63 with leucine.
Molecular consequence: missense variant.
Genome position (GRCh38, 1-based): chr13:20,189,395, C>G on the plus strand (G>C on the coding strand, the complement: GJB2 is on the minus strand). VCF-style: chr13-20189395-C-G. GRCh37 (hg19) VCF-style: chr13-20763534-C-G.
Other names: short protein forms V63L.
Identifiers: ClinVar variation 2979737 (VCV002979737.3), dbSNP rs370696868, ClinGen allele CA387461664.